The following is an entry in ClinVar:

ClinVar aggregate classification (germline): Uncertain significance (1 of 4 stars; one submission).

Allele frequency attached by ClinVar (database versions not stated): TOPMed 0.00001.
gnomAD v4.1: 7 of 1,614,174 alleles (0.00043%); highest among the groups gnomAD compares: Admixed American, 0.0067%; no homozygotes.

Submission:

Labcorp Genetics (formerly Invitae), Labcorp
Classification: Uncertain significance. Last evaluated: 2025-02-24. Review status: criteria provided, single submitter. Criteria: Invitae Variant Classification Sherloc (09022015). Collection method: clinical testing. Allele origin: germline.
Comment: This sequence change replaces threonine, which is neutral and polar, with isoleucine, which is neutral and non-polar, at codon 592 of the USP7 protein (p.Thr592Ile). This variant is present in population databases (no rsID available, gnomAD 0.009%). This variant has not been reported in the literature in individuals affected with USP7-related conditions. ClinVar contains an entry for this variant (Variation ID: 1976500). An algorithm developed to predict the effect of missense changes on protein structure and function (PolyPhen-2) suggests that this variant is likely to be tolerated. In summary, the available evidence is currently insufficient to determine the role of this variant in disease. Therefore, it has been classified as a Variant of Uncertain Significance.

NM_003470.3(USP7):c.1775C>T (p.Thr592Ile)

Gene: USP7 (ubiquitin specific peptidase 7; minus strand). Cytogenetic location: 16p13.2.
Variant type: single nucleotide variant.
Coding change: c.1775C>T on transcript NM_003470.3 (MANE Select); coding-DNA position 1775, C replaced by T.
Protein change: p.Thr592Ile; replaces threonine 592 with isoleucine.
Molecular consequence: missense variant. On other transcripts: non-coding transcript variant (1).
Genome position (GRCh38, 1-based): chr16:8,903,332, G>A on the plus strand (C>T on the coding strand, the complement: USP7 is on the minus strand). VCF-style: chr16-8903332-G-A. GRCh37 (hg19) VCF-style: chr16-8997189-G-A.
Other names: c.1727C>T, p.Thr576Ile (NM_001286457.2); c.1478C>T, p.Thr493Ile (NM_001286458.2); c.1601C>T, p.Thr534Ile (NM_001321858.2); short protein forms T493I, T592I, T534I, T576I.
Identifiers: ClinVar variation 1976500 (VCV001976500.5), dbSNP rs1449987707, ClinGen allele CA394701007.